The following is an entry in ClinVar:

ClinVar aggregate classification (germline): Pathogenic (1 of 4 stars; one submission).

Conditions:
Mirror movements 1 (MRMV1). Identifiers: Orphanet 238722, MedGen C1834870, OMIM 157600, MONDO:0008002.

Submission:

Victorian Clinical Genetics Services, Murdoch Childrens Research Institute
Classification: Pathogenic for Mirror movements 1. Last evaluated: 2023-07-17. Review status: criteria provided, single submitter. Criteria: ACMG Guidelines, 2015. Collection method: clinical testing. Allele origin: germline. Inheritance: Autosomal dominant inheritance. Affected: yes.
Comment: Based on the classification scheme VCGS_Germline_v1.3.4, this variant is classified as Pathogenic. Following criteria are met: 0102 - Loss of function is a known mechanism of disease in this gene and is associated with gaze palsy, familial horizontal, with progressive scoliosis, 2 (MIM#617542) and mirror movements 1 and/or agenesis of the corpus callosum (MIM#157600). (I) 0108 - This gene is associated with both recessive and dominant disease. Biallelic loss of function variants cause autosomal recessive gaze palsy, familial horizontal, with progressive scoliosis, 2 (MIM#617542) while monoallelic loss of function variants cause the less severe autosomal dominant mirror movements 1 and/or agenesis of the corpus callosum (MIM#157600; PMIDs: 33141514, 31697046). (I) 0112 - The condition associated with this gene has incomplete penetrance. The penetrance for mirror movements is estimated to be approximately 42% (PMID: 25763452) while agenesis of the corpus callosum is 26% (OMIM). (I) 0115 - Variants in this gene are known to have variable expressivity. Intrafamilial variability has been reported for autosomal dominant mirror movements 1 and/or agenesis of the corpus callosum (MIM#157600). Specifically, males tend to present with mirror movements without agenesis of the corpus callosum (ACC) while females are more likely to present with isolated ACC (PMIDs: 25763452, 31697046). (I) 0201 - Variant is predicted to cause nonsense-mediated decay (NMD) and loss of protein (premature termination codon is located at least 54 nucleotides upstream of the final exon-exon junction). (SP) 0251 - This variant is heterozygous. (I) 0301 - Variant is absent from gnomAD (both v2 and v3). (SP) 0701 - Other NMD predicted variants comparable to the one identified in this case have very strong previous evidence for pathogenicity (DECIPHER). (SP) 0807 - This variant has no previous evidence of pathogenicity. (I) 0905 - No published segregation evidence has been identified for this variant. (I) 1007 - No published functional evidence has been identified for this variant. (SP) Legend: (SP) - Supporting pathogenic, (I) - Information, (SB) - Supporting benign

Literature cited by the submitters: PubMed 25763452; PubMed 31697046; PubMed 33141514.

NM_005215.4(DCC):c.3577C>T (p.Gln1193Ter)

Gene: DCC (DCC netrin 1 receptor; plus strand). Cytogenetic location: 18q21.2.
Variant type: single nucleotide variant.
Coding change: c.3577C>T on transcript NM_005215.4 (MANE Select); coding-DNA position 3577, C replaced by T.
Protein change: p.Gln1193Ter; replaces glutamine 1193 with a stop codon.
Molecular consequence: nonsense.
Genome position (GRCh38, 1-based): chr18:53,459,416, C>T. VCF-style: chr18-53459416-C-T. GRCh37 (hg19) VCF-style: chr18-50985786-C-T.
Other names: short protein forms Q1193*.
Identifiers: ClinVar variation 3377513 (VCV003377513.1).